The following is an entry in ClinVar:

ClinVar aggregate classification (germline): Likely benign. Review status: criteria provided, single submitter (1 of 4 stars). 2 submissions from 2 submitters: Likely benign (1). 1 of the submissions does not count toward it. Last evaluated 2025-03-27.

Conditions:
HMCN1-related disorder. Also called: HMCN1-related condition.

Allele frequency attached by ClinVar (database versions not stated): ExAC 0.00007; gnomAD 0.00007; TOPMed 0.00009; ESP Exome Variant Server 0.00054.
gnomAD v4.1: 44 of 1,614,016 alleles (0.0027%); highest among the groups gnomAD compares: African/African-American, 0.02%; 1 homozygote.

Submissions (2):

Labcorp Genetics (formerly Invitae), Labcorp
Classification: Likely benign. Last evaluated: 2025-03-27. Review status: criteria provided, single submitter. Criteria: Invitae Variant Classification Sherloc (09022015). Collection method: clinical testing. Allele origin: germline.

PreventionGenetics, part of Exact Sciences
Classification: Likely benign for HMCN1-related condition. Last evaluated: 2020-07-30. Review status: no assertion criteria provided. Collection method: clinical testing. Allele origin: germline. Not counted in ClinVar's aggregate classification.
Comment: This variant is classified as likely benign based on ACMG/AMP sequence variant interpretation guidelines (Richards et al. 2015 PMID: 25741868, with internal and published modifications).

NM_031935.3(HMCN1):c.15126C>T (p.Thr5042=)

Gene: HMCN1 (hemicentin 1; plus strand). Cytogenetic location: 1q31.1.
Variant type: single nucleotide variant.
Coding change: c.15126C>T on transcript NM_031935.3 (MANE Select); coding-DNA position 15126, C replaced by T.
Protein change: p.Thr5042=; no amino-acid change (threonine 5042 retained).
Molecular consequence: synonymous variant.
Genome position (GRCh38, 1-based): chr1:186,153,857, C>T. VCF-style: chr1-186153857-C-T. GRCh37 (hg19) VCF-style: chr1-186122989-C-T.
Other names: c.15126C>T (NM_031935.2).
Identifiers: ClinVar variation 2198446 (VCV002198446.6), dbSNP rs148569971, ClinGen allele CA1295160.